The following is an entry in ClinVar:

NM_000059.4(BRCA2):c.2220del (p.Val741fs)

Gene: BRCA2 (BRCA2 DNA repair associated; plus strand). Cytogenetic location: 13q13.1.
Variant type: Deletion.
Coding change: c.2220del on transcript NM_000059.4 (MANE Select); coding-DNA position 2220, one base deleted (A; older notation c.2220delA).
Protein change: p.Val741fs; shifts the reading frame from valine 741.
Molecular consequence: frameshift variant. On other transcripts: non-coding transcript variant (1), intron variant (2).
Genome position (GRCh38, 1-based): chr13:32,336,575, A deleted. VCF-style (leftmost placement, unchanged base first): chr13-32336574-CA-C. GRCh37 (hg19) VCF-style: chr13-32910711-CA-C.
Other names: c.2220del, p.Val741fs (NM_001406719.1, NM_001406720.1, NM_001432077.1); c.1909+3188del (NM_001406721.1); c.424+5545del (NM_001406722.1); short protein forms V741fs.
Identifiers: ClinVar variation 4876076 (VCV004876076.1).

ClinVar aggregate classification (germline): Pathogenic (1 of 4 stars; one submission).

Conditions:
Breast-ovarian cancer, familial, susceptibility to, 2 (BROVCA2). Also called: BRCA2 Hereditary Breast and Ovarian Cancer. Identifiers: Orphanet 145, MedGen C2675520, MONDO:0012933, OMIM 612555. Disease mechanism: loss of function.

Submission:

Myriad Genetics, Inc.
Classification: Pathogenic for Breast-ovarian cancer, familial, susceptibility to, 2. Last evaluated: 2026-05-27. Review status: criteria provided, single submitter. Criteria: Myriad Autosomal Dominant, Autosomal Recessive and X-Linked Classification Criteria (2023). Collection method: clinical testing. Allele origin: unknown.
Comment: This variant is considered pathogenic. This variant creates a frameshift predicted to result in premature protein truncation.